The following is an entry in ClinVar:

ClinVar aggregate classification (germline): Conflicting classifications of pathogenicity. Review status: criteria provided, conflicting classifications (1 of 4 stars). 6 submissions from 6 submitters: Uncertain significance (4); Likely benign (1). 1 of the submissions does not count toward it. Last evaluated 2026-02-03.

Conditions:
CACNA1C-related disorder. Also called: CACNA1C-related condition; CACNA1C-related disorders. Identifiers: MedGen CN381092, MONDO:0700321.
Cardiovascular phenotype. Identifiers: MedGen CN230736.
Long QT syndrome (LQTS). Identifiers: MedGen C0023976, MeSH D008133, MONDO:0002442. Disease mechanism: loss of function. Inheritance: Various modes of inheritance.

Allele frequency attached by ClinVar (database versions not stated): gnomAD 0.00001 and 0.00014; gnomAD exomes 0.00001 and 0.00002; TOPMed 0.00017.
gnomAD v4.1: 34 of 1,613,832 alleles (0.0021%); highest among the groups gnomAD compares: Non-Finnish European, 0.0014%; no homozygotes.

Submissions (6):

Labcorp Genetics (formerly Invitae), Labcorp
Classification: Uncertain significance for Long QT syndrome. Last evaluated: 2026-02-03. Review status: criteria provided, single submitter. Criteria: Invitae Variant Classification Sherloc (09022015). Collection method: clinical testing. Allele origin: germline.
Comment: This sequence change replaces threonine, which is neutral and polar, with methionine, which is neutral and non-polar, at codon 1441 of the CACNA1C protein (p.Thr1441Met). This variant is present in population databases (rs727503835, gnomAD 0.004%). This missense change has been observed in individual(s) with Brugada syndrome (PMID: 31737537). ClinVar contains an entry for this variant (Variation ID: 166773). Invitae Evidence Modeling of protein sequence and biophysical properties (such as structural, functional, and spatial information, amino acid conservation, physicochemical variation, residue mobility, and thermodynamic stability) has been performed for this missense variant. However, the output from this modeling did not meet the statistical confidence thresholds required to predict the impact of this variant on CACNA1C protein function. In summary, the available evidence is currently insufficient to determine the role of this variant in disease. Therefore, it has been classified as a Variant of Uncertain Significance.

PreventionGenetics, part of Exact Sciences
Classification: Uncertain significance for CACNA1C-related condition. Last evaluated: 2025-10-09. Review status: criteria provided, single submitter. Criteria: ACMG Guidelines, 2015. Collection method: clinical testing. Allele origin: germline.
Comment: The CACNA1C c.4322C>T variant is predicted to result in the amino acid substitution p.Thr1441Met. This variant has been reported in an individual with Brugada syndrome (Marschall et al. 2019. PubMed ID: 31737537). It has also been detected in an individual with developmental disorder, although conclusive evidence of pathogenicity was not presented in either study (Table S1, Kaplanis et al. 2020. PubMed ID: 33057194; Supplemental data 3, Zhou et al. 2022. PubMed ID: 35982159). This variant is reported in 0.0039% of alleles in individuals of European (Non-Finnish) descent in gnomAD. At this time, the clinical significance of this variant is uncertain due to the absence of conclusive functional and genetic evidence.

GeneDx
Classification: Uncertain significance. Last evaluated: 2023-08-16. Review status: criteria provided, single submitter. Criteria: GeneDx Variant Classification Process June 2021. Collection method: clinical testing. Allele origin: germline. Affected: yes.
Comment: Not observed at significant frequency in large population cohorts (gnomAD); In silico analysis supports that this missense variant does not alter protein structure/function; Identified in a patient with suspected Brugada syndrome in published literature; however, detailed clinical information was not provided (Marschall et al., 2019); This variant is associated with the following publications: (PMID: 31737537)

Ambry Genetics
Classification: Likely benign for Cardiovascular phenotype. Last evaluated: 2023-05-05. Review status: criteria provided, single submitter. Criteria: Ambry Variant Classification Scheme 2023. Collection method: clinical testing. Allele origin: germline.

Eurofins Ntd Llc (ga)
Classification: Uncertain significance. Last evaluated: 2014-01-13. Review status: criteria provided, single submitter. Criteria: EGL Classification Definitions 2015. Collection method: clinical testing. Allele origin: germline. Observed: 2 variant alleles, 2 heterozygotes.

Genetics and Genomic Medicine Centre, NeuroGen Healthcare, NeuroGen Healthcare
Classification: Uncertain significance. Last evaluated: 2021-04-20. Review status: no assertion criteria provided. Collection method: clinical testing. Allele origin: unknown. Affected: yes. Not counted in ClinVar's aggregate classification.

Literature cited by the submitters: PubMed 31737537 (cited by Labcorp Genetics (formerly Invitae), Labcorp and Ambry Genetics).

NM_000719.7(CACNA1C):c.4322C>T (p.Thr1441Met)

Gene: CACNA1C (calcium voltage-gated channel subunit alpha1 C; plus strand). Cytogenetic location: 12p13.33.
Variant type: single nucleotide variant.
Coding change: c.4322C>T on transcript NM_000719.7 (MANE Select); coding-DNA position 4322, C replaced by T.
Protein change: p.Thr1441Met; replaces threonine 1441 with methionine.
Molecular consequence: missense variant.
Genome position (GRCh38, 1-based): chr12:2,664,914, C>T. VCF-style: chr12-2664914-C-T. GRCh37 (hg19) VCF-style: chr12-2774080-C-T.
Other names: c.4322C>T, p.Thr1441Met (NM_001129841.2, NM_001129842.2, NM_001129843.2 and 7 more transcripts); c.4313C>T, p.Thr1438Met (NM_001129844.2); c.4289C>T, p.Thr1430Met (NM_001129846.2, NM_001167625.2, NM_001129837.2 and 1 more transcripts); c.4466C>T, p.Thr1489Met (NM_199460.4, NM_001129827.2); c.4388C>T, p.Thr1463Met (NM_001129829.2); c.4406C>T, p.Thr1469Met (NM_001129831.2); c.4382C>T, p.Thr1461Met (NM_001129832.2); c.4373C>T, p.Thr1458Met (NM_001129836.2); and 1 more; short protein forms T1441M, T1489M, T1438M, T1430M, T1458M, T1461M, T1428M, T1463M.
Identifiers: ClinVar variation 166773 (VCV000166773.53), dbSNP rs727503835, ClinGen allele CA233599.